The following is an entry in ClinVar:

NM_001257291.2(SLC9A7):c.30C>G (p.Gly10=)

Genes: SLC9A7 (solute carrier family 9 member A7; minus strand), LOC130068197 (ATAC-STARR-seq lymphoblastoid silent region 20793; plus strand). Cytogenetic location: Xp11.3.
Variant type: single nucleotide variant.
Coding change: c.30C>G on transcript NM_001257291.2 (MANE Select); coding-DNA position 30, C replaced by G.
Protein change: p.Gly10=; no amino-acid change (glycine 10 retained).
Molecular consequence: synonymous variant.
Genome position (GRCh38, 1-based): chrX:46,759,000, G>C on the plus strand (C>G on the coding strand, the complement: SLC9A7 is on the minus strand). VCF-style: chrX-46759000-G-C. GRCh37 (hg19) VCF-style: chrX-46618435-G-C.
Other names: c.30C>G, p.Gly10= (NM_032591.3).
Identifiers: ClinVar variation 3905634 (VCV003905634.10).

ClinVar aggregate classification (germline): Likely benign (1 of 4 stars; one submission).

gnomAD v4.1: 64 of 973,411 alleles (0.0066%); highest among the groups gnomAD compares: Non-Finnish European, 0.0082%; no homozygotes.

Submission:

CeGaT Center for Human Genetics Tuebingen
Classification: Likely benign. Last evaluated: 2025-05-01. Review status: criteria provided, single submitter. Criteria: CeGaT Center For Human Genetics Tuebingen Variant Classification Criteria Version 2. Collection method: clinical testing. Allele origin: germline. Affected: yes. Observed: 1 variant allele.
Comment: SLC9A7: BP4, BP7, BS2